The following is an entry in ClinVar:

NM_014905.5(GLS):c.387-3T>C

Gene: GLS (glutaminase; plus strand). Cytogenetic location: 2q32.2.
Variant type: single nucleotide variant.
Coding change: c.387-3T>C on transcript NM_014905.5 (MANE Select); 3 bases into the intron before coding-DNA position 387, T replaced by C.
Molecular consequence: intron variant.
Genome position (GRCh38, 1-based): chr2:190,895,149, T>C. VCF-style: chr2-190895149-T-C. GRCh37 (hg19) VCF-style: chr2-191759875-T-C.
Other names: c.387-3T>C (NM_014905.4, NM_001256310.2).
Identifiers: ClinVar variation 3024784 (VCV003024784.24), dbSNP rs200778139, ClinGen allele CA2029186.

ClinVar aggregate classification (germline): Likely benign. Review status: criteria provided, multiple submitters, no conflicts (2 of 4 stars). 3 submissions from 3 submitters: Likely benign (2). 1 of the submissions does not count toward it. Last evaluated 2025-12-01.

Conditions:
GLS-related disorder. Also called: GLS-related condition.

Allele frequency attached by ClinVar (database versions not stated): ESP Exome Variant Server 0.00008; TOPMed 0.00014; gnomAD 0.00015; gnomAD exomes 0.00019; ExAC 0.00023; 1000 Genomes Project 0.00060; 1000 Genomes Project 30x 0.00062.
gnomAD v4.1: 251 of 1,311,658 alleles (0.019%); highest among the groups gnomAD compares: Middle Eastern, 0.21%; 2 homozygotes.

Submissions (3):

CeGaT Center for Human Genetics Tuebingen
Classification: Likely benign. Last evaluated: 2025-12-01. Review status: criteria provided, single submitter. Criteria: CeGaT Center For Human Genetics Tuebingen Variant Classification Criteria Version 2. Collection method: clinical testing. Allele origin: germline. Affected: yes. Observed: 2 variant alleles.
Comment: GLS: BP4

Blueprint Genetics
Classification: Likely benign. Last evaluated: 2024-10-30. Review status: criteria provided, single submitter. Criteria: ACMG Guidelines, 2015. Collection method: clinical testing. Allele origin: germline.

PreventionGenetics, part of Exact Sciences
Classification: Likely benign for GLS-related condition. Last evaluated: 2019-05-25. Review status: no assertion criteria provided. Collection method: clinical testing. Allele origin: germline. Not counted in ClinVar's aggregate classification.
Comment: This variant is classified as likely benign based on ACMG/AMP sequence variant interpretation guidelines (Richards et al. 2015 PMID: 25741868, with internal and published modifications).